The following is an entry in ClinVar:

ClinVar aggregate classification (germline): Uncertain significance (1 of 4 stars; one submission).

Conditions:
Hereditary nonpolyposis colorectal neoplasms. Identifiers: MedGen C0009405, MeSH D003123.

Submission:

Labcorp Genetics (formerly Invitae), Labcorp
Classification: Uncertain significance for Hereditary nonpolyposis colorectal neoplasms. Last evaluated: 2022-08-05. Review status: criteria provided, single submitter. Criteria: Invitae Variant Classification Sherloc (09022015). Collection method: clinical testing. Allele origin: germline.
Comment: This sequence change replaces serine, which is neutral and polar, with cysteine, which is neutral and slightly polar, at codon 425 of the PMS2 protein (p.Ser425Cys). ClinVar contains an entry for this variant (Variation ID: 1006372). Advanced modeling of protein sequence and biophysical properties (such as structural, functional, and spatial information, amino acid conservation, physicochemical variation, residue mobility, and thermodynamic stability) performed at Invitae indicates that this missense variant is not expected to disrupt PMS2 protein function. This variant has not been reported in the literature in individuals affected with PMS2-related conditions. This variant is not present in population databases (gnomAD no frequency). In summary, the available evidence is currently insufficient to determine the role of this variant in disease. Therefore, it has been classified as a Variant of Uncertain Significance.

NM_000535.7(PMS2):c.1274C>G (p.Ser425Cys)

Gene: PMS2 (PMS1 homolog 2, mismatch repair system component; minus strand). Cytogenetic location: 7p22.1.
Variant type: single nucleotide variant.
Coding change: c.1274C>G on transcript NM_000535.7 (MANE Select); coding-DNA position 1274, C replaced by G.
Protein change: p.Ser425Cys; replaces serine 425 with cysteine.
Molecular consequence: missense variant. On other transcripts: non-coding transcript variant (1).
Genome position (GRCh38, 1-based): chr7:5,987,491, G>C on the plus strand (C>G on the coding strand, the complement: PMS2 is on the minus strand). VCF-style: chr7-5987491-G-C. GRCh37 (hg19) VCF-style: chr7-6027122-G-C.
Other names: c.869C>G, p.Ser290Cys (NM_001322003.2, NM_001322004.2, NM_001322005.2 and 1 more transcripts); c.1118C>G, p.Ser373Cys (NM_001322006.2); c.956C>G, p.Ser319Cys (NM_001322007.2, NM_001322008.2); c.713C>G, p.Ser238Cys (NM_001322010.2); c.341C>G, p.Ser114Cys (NM_001322011.2, NM_001322012.2); c.701C>G, p.Ser234Cys (NM_001322013.2); c.1274C>G, p.Ser425Cys (NM_001322014.2); c.965C>G, p.Ser322Cys (NM_001322015.2); short protein forms S114C, S234C, S238C, S290C, S319C, S322C, S373C, S425C.
Identifiers: ClinVar variation 1006372 (VCV001006372.8), dbSNP rs1783150023, ClinGen allele CA366742436.